The following is an entry in ClinVar:

ClinVar aggregate classification (germline): Uncertain significance. Review status: criteria provided, multiple submitters, no conflicts (2 of 4 stars). 2 submissions from 2 submitters: Uncertain significance (2). Last evaluated 2026-05-18.

Conditions:
BBS10-related disorder. Also called: BBS10-related condition.
Bardet-Biedl syndrome (BBS). Identifiers: Orphanet 110, MedGen C0752166, MONDO:0015229.

Allele frequency attached by ClinVar (database versions not stated): gnomAD exomes 0.00001; TOPMed 0.00001; ExAC 0.00002.
gnomAD v4.1: 4 of 1,613,006 alleles (0.00025%); highest among the groups gnomAD compares: Admixed American, 0.0067%; no homozygotes.

Submissions (2):

PreventionGenetics, part of Exact Sciences
Classification: Uncertain significance for BBS10-related condition. Last evaluated: 2026-05-18. Review status: criteria provided, single submitter. Criteria: ACMG Guidelines, 2015. Collection method: clinical testing. Allele origin: germline.
Comment: The BBS10 c.83G>C variant is predicted to result in the amino acid substitution p.Cys28Ser. To our knowledge, this variant has not been reported in the literature. This variant is reported in 0.0088% of alleles in individuals of Latino descent in gnomAD. At this time, the clinical significance of this variant is uncertain due to the absence of conclusive functional and genetic evidence.

Labcorp Genetics (formerly Invitae), Labcorp
Classification: Uncertain significance for Bardet-Biedl syndrome. Last evaluated: 2025-03-10. Review status: criteria provided, single submitter. Criteria: Invitae Variant Classification Sherloc (09022015). Collection method: clinical testing. Allele origin: germline.
Comment: This sequence change replaces cysteine, which is neutral and slightly polar, with serine, which is neutral and polar, at codon 28 of the BBS10 protein (p.Cys28Ser). This variant is present in population databases (rs755657515, gnomAD 0.009%). This variant has not been reported in the literature in individuals affected with BBS10-related conditions. ClinVar contains an entry for this variant (Variation ID: 2139176). Invitae Evidence Modeling of protein sequence and biophysical properties (such as structural, functional, and spatial information, amino acid conservation, physicochemical variation, residue mobility, and thermodynamic stability) indicates that this missense variant is not expected to disrupt BBS10 protein function with a negative predictive value of 80%. In summary, the available evidence is currently insufficient to determine the role of this variant in disease. Therefore, it has been classified as a Variant of Uncertain Significance.

NM_024685.4(BBS10):c.83G>C (p.Cys28Ser)

Gene: BBS10 (Bardet-Biedl syndrome 10; minus strand). Cytogenetic location: 12q21.2.
Variant type: single nucleotide variant.
Coding change: c.83G>C on transcript NM_024685.4 (MANE Select); coding-DNA position 83, G replaced by C.
Protein change: p.Cys28Ser; replaces cysteine 28 with serine.
Molecular consequence: missense variant.
Genome position (GRCh38, 1-based): chr12:76,348,276, C>G on the plus strand (G>C on the coding strand, the complement: BBS10 is on the minus strand). VCF-style: chr12-76348276-C-G. GRCh37 (hg19) VCF-style: chr12-76742056-C-G.
Other names: c.83G>C (NM_024685.3); short protein forms C28S.
Identifiers: ClinVar variation 2139176 (VCV002139176.5), dbSNP rs755657515, ClinGen allele CA6694430.